The following is an entry in ClinVar:

ClinVar aggregate classification (germline): Likely pathogenic. Review status: criteria provided, multiple submitters, no conflicts (2 of 4 stars). 2 submissions from 2 submitters: Likely pathogenic (2). Last evaluated 2023-09-21.

Conditions:
Pontocerebellar hypoplasia type 6 (PCH6). Identifiers: Orphanet 166073, MedGen C1969084, MONDO:0012683, OMIM 611523.

gnomAD v4.1: 1 of 1,614,240 alleles (0.000062%); highest among the groups gnomAD compares: Non-Finnish European, 0.000085%; no homozygotes.

Submissions (2):

Labcorp Genetics (formerly Invitae), Labcorp
Classification: Likely pathogenic. Last evaluated: 2023-09-21. Review status: criteria provided, single submitter. Criteria: Invitae Variant Classification Sherloc (09022015). Collection method: clinical testing. Allele origin: germline.
Comment: In summary, the currently available evidence indicates that the variant is pathogenic, but additional data are needed to prove that conclusively. Therefore, this variant has been classified as Likely Pathogenic. Algorithms developed to predict the effect of sequence changes on RNA splicing suggest that this variant may disrupt the consensus splice site. ClinVar contains an entry for this variant (Variation ID: 2442235). Disruption of this splice site has been observed in individual(s) with clinical features of pontocerebellar hypoplasia (PMID: 35231114). This variant is not present in population databases (gnomAD no frequency). This sequence change affects a donor splice site in intron 1 of the RARS2 gene. It is expected to disrupt RNA splicing. Variants that disrupt the donor or acceptor splice site typically lead to a loss of protein function (PMID: 16199547), and loss-of-function variants in RARS2 are known to be pathogenic (PMID: 17847012, 22569581, 26083569).

Baylor Genetics
Classification: Likely pathogenic for Pontocerebellar hypoplasia type 6. Last evaluated: 2022-05-20. Review status: criteria provided, single submitter. Criteria: ACMG Guidelines, 2015. Collection method: clinical testing. Allele origin: unknown.

Literature cited by the submitters: PubMed 35231114 (cited by Labcorp Genetics (formerly Invitae), Labcorp); PubMed 16199547 (cited by Labcorp Genetics (formerly Invitae), Labcorp); PubMed 17847012 (cited by Labcorp Genetics (formerly Invitae), Labcorp); PubMed 22569581 (cited by Labcorp Genetics (formerly Invitae), Labcorp); PubMed 26083569 (cited by Labcorp Genetics (formerly Invitae), Labcorp).

NM_020320.5(RARS2):c.36+1G>T

Gene: RARS2 (arginyl-tRNA synthetase 2, mitochondrial; minus strand). Cytogenetic location: 6q15.
Variant type: single nucleotide variant.
Coding change: c.36+1G>T on transcript NM_020320.5 (MANE Select); the canonical splice donor site of the intron after coding-DNA position 36, G replaced by T.
Molecular consequence: splice donor variant. On other transcripts: 5 prime UTR variant (7), non-coding transcript variant (20).
Genome position (GRCh38, 1-based): chr6:87,589,921, C>A on the plus strand (G>T on the coding strand, the complement: RARS2 is on the minus strand). VCF-style: chr6-87589921-C-A. GRCh37 (hg19) VCF-style: chr6-88299639-C-A.
Other names: c.-654G>T (NM_001318785.2); c.-710G>T (NM_001350506.2, NM_001350510.2); c.-833G>T (NM_001350507.2); c.-872G>T (NM_001350508.2); c.-580G>T (NM_001350509.2); c.-829G>T (NM_001350511.2); c.36+1G>T (NM_001350505.2).
Identifiers: ClinVar variation 2442235 (VCV002442235.4), dbSNP rs201200968, ClinGen allele CA364919396.